The following is an entry in ClinVar:

NM_001080449.3(DNA2):c.1888C>T (p.Gln630Ter)

Gene: DNA2 (DNA replication helicase/nuclease 2; minus strand). Cytogenetic location: 10q21.3.
Variant type: single nucleotide variant.
Coding change: c.1888C>T on transcript NM_001080449.3 (MANE Select); coding-DNA position 1888, C replaced by T.
Protein change: p.Gln630Ter; replaces glutamine 630 with a stop codon.
Molecular consequence: nonsense. On other transcripts: non-coding transcript variant (1).
Genome position (GRCh38, 1-based): chr10:68,431,957, G>A on the plus strand (C>T on the coding strand, the complement: DNA2 is on the minus strand). VCF-style: chr10-68431957-G-A. GRCh37 (hg19) VCF-style: chr10-70191714-G-A.
Other names: short protein forms Q630*.
Identifiers: ClinVar variation 2735405 (VCV002735405.3), dbSNP rs1017963757, ClinGen allele CA208199825.

ClinVar aggregate classification (germline): Uncertain significance (1 of 4 stars; one submission).

Allele frequency attached by ClinVar (database versions not stated): gnomAD exomes below 0.00001; gnomAD 0.00001; TOPMed 0.00001.

Submission:

Labcorp Genetics (formerly Invitae), Labcorp
Classification: Uncertain significance. Last evaluated: 2023-04-17. Review status: criteria provided, single submitter. Criteria: Invitae Variant Classification Sherloc (09022015). Collection method: clinical testing. Allele origin: germline.
Comment: In summary, the available evidence is currently insufficient to determine the role of this variant in disease. Therefore, it has been classified as a Variant of Uncertain Significance. This premature translational stop signal has been observed in individual(s) with myopathy (PMID: 25635128). This variant is not present in population databases (gnomAD no frequency). This sequence change creates a premature translational stop signal (p.Gln630*) in the DNA2 gene. It is expected to result in an absent or disrupted protein product. However, the current clinical and genetic evidence is not sufficient to establish whether loss-of-function variants in DNA2 cause disease.

Literature cited by the submitters: PubMed 25635128.